The following is an entry in ClinVar:

ClinVar aggregate classification (germline): Likely benign (1 of 4 stars; one submission).

Conditions:
BBS1-related disorder. Also called: BBS1-related condition.

Submission:

PreventionGenetics, part of Exact Sciences
Classification: Likely benign for BBS1-related condition. Last evaluated: 2025-04-16. Review status: criteria provided, single submitter. Criteria: ACMG Guidelines, 2015. Collection method: clinical testing. Allele origin: germline.
Comment: This variant is classified as likely benign based on ACMG/AMP sequence variant interpretation guidelines (Richards et al. 2015 PMID: 25741868, with internal and published modifications).

NM_024649.5(BBS1):c.1656G>A (p.Val552=)

Genes: BBS1 (Bardet-Biedl syndrome 1; plus strand), ZDHHC24 (zDHHC palmitoyltransferase 24; minus strand). Cytogenetic location: 11q13.2.
Variant type: single nucleotide variant.
Coding change: c.1656G>A on transcript NM_024649.5 (MANE Select); coding-DNA position 1656, G replaced by A.
Protein change: p.Val552=; no amino-acid change (valine 552 retained).
Molecular consequence: synonymous variant. On other transcripts: intron variant (1).
Genome position (GRCh38, 1-based): chr11:66,531,703, G>A. VCF-style: chr11-66531703-G-A. GRCh37 (hg19) VCF-style: chr11-66299174-G-A.
Other names: c.560-2215C>T (NM_001348571.2).
Identifiers: ClinVar variation 4998977 (VCV004998977.1).
Genomic context (GRCh38, chr11:66,531,703, plus strand): 5'-TCCCCAAACTTAGGTACCCTTGCTGGTGCCAGGGCTCAACTACCCCCTGGAGACCTTTGT[G>A]GAGAGTCTCAGTAACAAGGGCATCTCAGACATCATCAAGGTAGGCCCCGCACTTGTACCA-3'
Protein context (NP_078925.3, residues 542-562): PGLNYPLETF[Val552=]ESLSNKGISD